The following is an entry in ClinVar:

NM_001655.5(ARCN1):c.878A>T (p.Gln293Leu)

Gene: ARCN1 (archain 1 coat protein complex I subunit delta; plus strand). Cytogenetic location: 11q23.3.
Variant type: single nucleotide variant.
Coding change: c.878A>T on transcript NM_001655.5 (MANE Select); coding-DNA position 878, A replaced by T.
Protein change: p.Gln293Leu; replaces glutamine 293 with leucine.
Molecular consequence: missense variant. On other transcripts: non-coding transcript variant (2).
Genome position (GRCh38, 1-based): chr11:118,590,400, A>T. VCF-style: chr11-118590400-A-T. GRCh37 (hg19) VCF-style: chr11-118461115-A-T.
Other names: c.614A>T, p.Gln205Leu (NM_001142281.2, NM_001425081.1); c.878A>T, p.Gln293Leu (NM_001425073.1, NM_001425078.1); c.875A>T, p.Gln292Leu (NM_001425074.1, NM_001425079.1); c.821A>T, p.Gln274Leu (NM_001425075.1); c.809A>T, p.Gln270Leu (NM_001425076.1); c.713A>T, p.Gln238Leu (NM_001425077.1); c.434A>T, p.Gln145Leu (NM_001425080.1); short protein forms Q145L, Q205L, Q270L, Q292L, Q238L, Q274L, Q293L.
Identifiers: ClinVar variation 4691784 (VCV004691784.1).

ClinVar aggregate classification (germline): Uncertain significance (1 of 4 stars; one submission).

Submission:

Labcorp Genetics (formerly Invitae), Labcorp
Classification: Uncertain significance. Last evaluated: 2025-12-03. Review status: criteria provided, single submitter. Criteria: Invitae Variant Classification Sherloc (09022015). Collection method: clinical testing. Allele origin: germline.
Comment: This sequence change replaces glutamine, which is neutral and polar, with leucine, which is neutral and non-polar, at codon 293 of the ARCN1 protein (p.Gln293Leu). This variant is not present in population databases (gnomAD no frequency). This variant has not been reported in the literature in individuals affected with ARCN1-related conditions. An algorithm developed to predict the effect of missense changes on protein structure and function (PolyPhen-2) suggests that this variant is likely to be disruptive. In summary, the available evidence is currently insufficient to determine the role of this variant in disease. Therefore, it has been classified as a Variant of Uncertain Significance.